The following is an entry in ClinVar:

ClinVar aggregate classification (germline): Likely pathogenic (1 of 4 stars; one submission).

Conditions:
Colorectal cancer. Also called: Colorectal cancer, somatic; Malignant Colorectal Neoplasm. Identifiers: MedGen C0346629, MONDO:0005575, OMIM 114500.

Submission:

Institute of Human Genetics, University of Leipzig Medical Center
Classification: Likely pathogenic for Colorectal cancer. Last evaluated: 2016-06-17. Review status: criteria provided, single submitter. Criteria: ACMG Guidelines, 2015. Collection method: clinical testing. Allele origin: de novo. Affected: yes. Observed: 1 variant allele.
Comment: This variant was identified as de novo (maternity and paternity confirmed).

NM_001904.4(CTNNB1):c.1296_1298del (p.Tyr432_Lys433delinsTer)

Genes: CTNNB1 (catenin beta 1; plus strand), LOC126806659 (BRD4-independent group 4 enhancer GRCh37_chr3:41274918-41276117; plus strand). Cytogenetic location: 3p22.1.
Variant type: Deletion.
Coding change: c.1296_1298del on transcript NM_001904.4 (MANE Select); coding-DNA positions 1296 to 1298, 3 bases deleted (TAA; older notation c.1296_1298delTAA).
Protein change: p.Tyr432_Lys433delinsTer.
Molecular consequence: nonsense.
Genome position (GRCh38, 1-based): chr3:41,233,639-41,233,641, TAA deleted; deleting any 3 consecutive bases within chr3:41,233,638-41,233,641 gives the same sequence; the c. name uses the placement nearest the transcript's 3' end. VCF-style (leftmost placement, unchanged base first): chr3-41233637-TATA-T. GRCh37 (hg19) VCF-style: chr3-41275128-TATA-T.
Other names: c.1296_1298del, p.Tyr432_Lys433delinsTer (NM_001098209.2, NM_001098210.2); c.1275_1277del, p.Tyr425_Lys426delinsTer (NM_001330729.2).
Identifiers: ClinVar variation 976111 (VCV000976111.1), dbSNP rs2078362331, ClinGen allele CA1139658008.
Genomic context (GRCh38, chr3:41,233,637, plus strand): 5'-GATGATATAAATGTGGTCACCTGTGCAGCTGGAATTCTTTCTAACCTCACTTGCAATAAT[TATA>T]AGAACAAGATGATGGTCTGCCAAGTGGGTGGTATAGAGGCTCTTGTGCGTACTGTCCTTC-3'